The following is an entry in ClinVar:

NM_001366285.2(TBXT):c.1102G>T (p.Val368Leu)

Gene: TBXT (T-box transcription factor T; minus strand). Cytogenetic location: 6q27.
Variant type: single nucleotide variant.
Coding change: c.1102G>T on transcript NM_001366285.2 (MANE Select); coding-DNA position 1102, G replaced by T.
Protein change: p.Val368Leu; replaces valine 368 with leucine.
Molecular consequence: missense variant.
Genome position (GRCh38, 1-based): chr6:166,158,524, C>A on the plus strand (G>T on the coding strand, the complement: TBXT is on the minus strand). VCF-style: chr6-166158524-C-A. GRCh37 (hg19) VCF-style: chr6-166572012-C-A.
Other names: c.925G>T, p.Val309Leu (NM_001270484.2); c.1102G>T, p.Val368Leu (NM_001366286.2); c.1099G>T, p.Val367Leu (NM_003181.4); short protein forms V367L, V368L, V309L.
Identifiers: ClinVar variation 450603 (VCV000450603.2), dbSNP rs35292451, ClinGen allele CA366390493.

ClinVar aggregate classification (germline): Uncertain significance (1 of 4 stars; one submission).

Submission:

GeneDx
Classification: Uncertain significance. Last evaluated: 2017-07-26. Review status: criteria provided, single submitter. Criteria: GeneDx Variant Classification (06012015). Collection method: clinical testing. Allele origin: germline. Affected: yes.
Comment: The V367L variant in the T gene has not been reported previously as a pathogenic variant, nor as a benign variant, to our knowledge. The V367L variant is not observed in large population cohorts (Lek et al., 2016; 1000 Genomes Consortium et al., 2015; Exome Variant Server). The V367L variant is a conservative amino acid substitution, which is not likely to impact secondary protein structure as these residues share similar properties. This substitution occurs at a position that is not conserved across species. In silico analysis predicts this variant likely does not alter the protein structure/function. We interpret V367L as a variant of uncertain significance.